The following is an entry in ClinVar:

ClinVar aggregate classification (germline): Uncertain significance (1 of 4 stars; one submission).

Allele frequency attached by ClinVar (database versions not stated): gnomAD exomes 0.00002 and 0.00003; ExAC 0.00004; gnomAD 0.00015 and 0.00016; TOPMed 0.00015; ESP Exome Variant Server 0.00024.

Submission:

Labcorp Genetics (formerly Invitae), Labcorp
Classification: Uncertain significance. Last evaluated: 2025-12-15. Review status: criteria provided, single submitter. Criteria: Invitae Variant Classification Sherloc (09022015). Collection method: clinical testing. Allele origin: germline.
Comment: This sequence change replaces glutamic acid, which is acidic and polar, with glycine, which is neutral and non-polar, at codon 592 of the RNF31 protein (p.Glu592Gly). This variant is present in population databases (rs202193568, gnomAD 0.05%). This variant has not been reported in the literature in individuals affected with RNF31-related conditions. ClinVar contains an entry for this variant (Variation ID: 1401952). An algorithm developed to predict the effect of missense changes on protein structure and function (PolyPhen-2) suggests that this variant is likely to be tolerated. In summary, the available evidence is currently insufficient to determine the role of this variant in disease. Therefore, it has been classified as a Variant of Uncertain Significance.

NM_017999.5(RNF31):c.1775A>G (p.Glu592Gly)

Gene: RNF31 (ring finger protein 31; plus strand). Cytogenetic location: 14q12.
Variant type: single nucleotide variant.
Coding change: c.1775A>G on transcript NM_017999.5 (MANE Select); coding-DNA position 1775, A replaced by G.
Protein change: p.Glu592Gly; replaces glutamic acid 592 with glycine.
Molecular consequence: missense variant.
Genome position (GRCh38, 1-based): chr14:24,151,522, A>G. VCF-style: chr14-24151522-A-G. GRCh37 (hg19) VCF-style: chr14-24620731-A-G.
Other names: c.1322A>G, p.Glu441Gly (NM_001310332.2); short protein forms E592G, E441G.
Identifiers: ClinVar variation 1401952 (VCV001401952.9), dbSNP rs202193568, ClinGen allele CA7125884.
Genomic context (GRCh38, chr14:24,151,522, plus strand): 5'-CCCTTGCCACTCCCATCTTGCAGGTGCAGGAGCTCCAGTCTCTAGGCTTTGGGCCTGAGG[A>G]GGGGTCTCTCCAGGCATTGTTCCAGCACGGAGGTGATGTGTCACGGGCCCTGACTGAGCT-3'
Protein context (NP_060469.4, residues 582-602): ELQSLGFGPE[Glu592Gly]GSLQALFQHG